The following is an entry in ClinVar:

NM_006421.5(ARFGEF1):c.4207A>G (p.Arg1403Gly)

Gene: ARFGEF1 (ARF guanine nucleotide exchange factor 1; minus strand). Cytogenetic location: 8q13.2.
Variant type: single nucleotide variant.
Coding change: c.4207A>G on transcript NM_006421.5 (MANE Select); coding-DNA position 4207, A replaced by G.
Protein change: p.Arg1403Gly; replaces arginine 1403 with glycine.
Molecular consequence: missense variant.
Genome position (GRCh38, 1-based): chr8:67,224,904, T>C on the plus strand (A>G on the coding strand, the complement: ARFGEF1 is on the minus strand). VCF-style: chr8-67224904-T-C. GRCh37 (hg19) VCF-style: chr8-68137139-T-C.
Other names: short protein forms R1403G.
Identifiers: ClinVar variation 1703402 (VCV001703402.6), dbSNP rs2491343178, ClinGen allele CA371194385.

ClinVar aggregate classification (germline): Uncertain significance. Review status: criteria provided, multiple submitters, no conflicts (2 of 4 stars). 2 submissions from 2 submitters: Uncertain significance (2). Last evaluated 2025-09-15.

Conditions:
Inborn genetic diseases. Identifiers: MedGen C0950123, MeSH D030342.

Submissions (2):

Ambry Genetics
Classification: Uncertain significance for Inborn genetic diseases. Last evaluated: 2025-09-15. Review status: criteria provided, single submitter. Criteria: Ambry Variant Classification Scheme 2023. Collection method: clinical testing. Allele origin: germline.
Comment: The c.4207A>G (p.R1403G) alteration is located in exon 29 (coding exon 29) of the ARFGEF1 gene. This alteration results from an A to G substitution at nucleotide position 4207, causing the arginine (R) at amino acid position 1403 to be replaced by a glycine (G). This variant was not reported in population-based cohorts in the Genome Aggregation Database (gnomAD). This amino acid position is highly conserved in available vertebrate species. This missense alteration is located in a region that has a low rate of benign missense variation (Lek, 2016; Firth, 2009). This missense alteration is predicted to be deleterious by in silico analysis. In silico splice site analysis predicts that this nucleotide alteration may weaken the native splice donor site and may result in the creation or strengthening of a novel splice donor site. Based on insufficient or conflicting evidence, the clinical significance of this alteration remains unclear.

GeneDx
Classification: Uncertain significance. Last evaluated: 2025-03-26. Review status: criteria provided, single submitter. Criteria: GeneDx Variant Classification Process June 2021. Collection method: clinical testing. Allele origin: germline.
Comment: Not observed at significant frequency in large population cohorts (gnomAD); In silico analysis supports that this missense variant has a deleterious effect on protein structure/function; In silico analysis supports a deleterious effect on splicing; Has not been previously published as pathogenic or benign to our knowledge